The following is an entry in ClinVar:

NM_000548.5(TSC2):c.3184G>T (p.Val1062Phe)

Gene: TSC2 (TSC complex subunit 2; plus strand). Cytogenetic location: 16p13.3.
Variant type: single nucleotide variant.
Coding change: c.3184G>T on transcript NM_000548.5 (MANE Select); coding-DNA position 3184, G replaced by T.
Protein change: p.Val1062Phe; replaces valine 1062 with phenylalanine.
Molecular consequence: missense variant.
Genome position (GRCh38, 1-based): chr16:2,079,328, G>T. VCF-style: chr16-2079328-G-T. GRCh37 (hg19) VCF-style: chr16-2129329-G-T.
Other names: c.3142G>T, p.Val1048Phe (NM_001406668.1); c.3073G>T, p.Val1025Phe (NM_001406670.1); c.3043G>T, p.Val1015Phe (NM_001406671.1); c.3040G>T, p.Val1014Phe (NM_001406673.1); c.3037G>T, p.Val1013Phe (NM_001406675.1); c.3034G>T, p.Val1012Phe (NM_001406676.1); c.2995G>T, p.Val999Phe (NM_001406677.1); c.2941G>T, p.Val981Phe (NM_001406678.1); and 18 more; short protein forms V1015F, V1019F, V1049F, V484F, V570F, V571F, V614F, V865F.
Identifiers: ClinVar variation 1728572 (VCV001728572.6), dbSNP rs2151438280, ClinGen allele CA394285565.

ClinVar aggregate classification (germline): Uncertain significance. Review status: criteria provided, multiple submitters, no conflicts (2 of 4 stars). 2 submissions from 2 submitters: Uncertain significance (2). Last evaluated 2026-07-06.

Conditions:
Tuberous sclerosis 2 (TSC2). Identifiers: Orphanet 805, MedGen C1860707, MONDO:0013199, OMIM 613254.
Hereditary cancer-predisposing syndrome. Also called: Hereditary Cancer Syndrome; Hereditary neoplastic syndrome; Neoplastic Syndromes, Hereditary; Tumor predisposition. Identifiers: Orphanet 140162, MedGen C0027672, MeSH D009386, MONDO:0015356.

Submissions (2):

Ambry Genetics
Classification: Uncertain significance for Hereditary cancer-predisposing syndrome. Last evaluated: 2026-07-06. Review status: criteria provided, single submitter. Criteria: Ambry Variant Classification Scheme 2023. Collection method: clinical testing. Allele origin: germline.
Comment: The p.V1062F variant (also known as c.3184G>T), located in coding exon 27 of the TSC2 gene, results from a G to T substitution at nucleotide position 3184. The valine at codon 1062 is replaced by phenylalanine, an amino acid with highly similar properties. This amino acid position is highly conserved in available vertebrate species. In addition, this alteration is predicted to be deleterious by in silico analysis. Based on the available evidence, the clinical significance of this variant remains unclear.

Labcorp Genetics (formerly Invitae), Labcorp
Classification: Uncertain significance for Tuberous sclerosis 2. Last evaluated: 2023-09-17. Review status: criteria provided, single submitter. Criteria: Invitae Variant Classification Sherloc (09022015). Collection method: clinical testing. Allele origin: germline.
Comment: This sequence change replaces valine, which is neutral and non-polar, with phenylalanine, which is neutral and non-polar, at codon 1062 of the TSC2 protein (p.Val1062Phe). This variant is not present in population databases (gnomAD no frequency). This variant has not been reported in the literature in individuals affected with TSC2-related conditions. ClinVar contains an entry for this variant (Variation ID: 1728572). Advanced modeling of protein sequence and biophysical properties (such as structural, functional, and spatial information, amino acid conservation, physicochemical variation, residue mobility, and thermodynamic stability) performed at Invitae indicates that this missense variant is not expected to disrupt TSC2 protein function. In summary, the available evidence is currently insufficient to determine the role of this variant in disease. Therefore, it has been classified as a Variant of Uncertain Significance.